The following is an entry in ClinVar:

NM_005159.5(ACTC1):c.752C>T (p.Thr251Ile)

Genes: ACTC1 (actin alpha cardiac muscle 1; minus strand), GJD2-DT (GJD2 divergent transcript; plus strand). Cytogenetic location: 15q14.
Variant type: single nucleotide variant.
Coding change: c.752C>T on transcript NM_005159.5 (MANE Select); coding-DNA position 752, C replaced by T.
Protein change: p.Thr251Ile; replaces threonine 251 with isoleucine.
Molecular consequence: missense variant.
Genome position (GRCh38, 1-based): chr15:34,792,146, G>A on the plus strand (C>T on the coding strand, the complement: ACTC1 is on the minus strand). VCF-style: chr15-34792146-G-A. GRCh37 (hg19) VCF-style: chr15-35084347-G-A.
Other names: c.752C>T, p.Thr251Ile (NM_001406482.1, NM_001406483.1); c.617C>T, p.Thr206Ile (NM_001406484.1); c.311C>T, p.Thr104Ile (NM_001406485.1); short protein forms T104I, T206I, T251I.
Identifiers: ClinVar variation 1759365 (VCV001759365.2), dbSNP rs2504179957, ClinGen allele CA391629869.

ClinVar aggregate classification (germline): Uncertain significance (1 of 4 stars; one submission).

Conditions:
Cardiovascular phenotype. Identifiers: MedGen CN230736.

Submission:

Ambry Genetics
Classification: Uncertain significance for Cardiovascular phenotype. Last evaluated: 2022-09-12. Review status: criteria provided, single submitter. Criteria: Ambry Variant Classification Scheme 2023. Collection method: clinical testing. Allele origin: germline.
Comment: The p.T251I variant (also known as c.752C>T), located in coding exon 4 of the ACTC1 gene, results from a C to T substitution at nucleotide position 752. The threonine at codon 251 is replaced by isoleucine, an amino acid with similar properties. This amino acid position is conserved. In addition, this alteration is predicted to be deleterious by in silico analysis. Since supporting evidence is limited at this time, the clinical significance of this alteration remains unclear.